The following is an entry in ClinVar:

ClinVar aggregate classification (germline): Conflicting classifications of pathogenicity. Review status: criteria provided, conflicting classifications (1 of 4 stars). 2 submissions from 2 submitters: Uncertain significance (1); Likely benign (1). Last evaluated 2025-08-28.

Conditions:
Hereditary cancer-predisposing syndrome. Also called: Hereditary Cancer Syndrome; Hereditary neoplastic syndrome; Neoplastic Syndromes, Hereditary; Tumor predisposition. Identifiers: Orphanet 140162, MedGen C0027672, MeSH D009386, MONDO:0015356.

Allele frequency attached by ClinVar (database versions not stated): gnomAD exomes below 0.00001.
gnomAD v4.1: 7 of 1,598,638 alleles (0.00044%); highest among the groups gnomAD compares: Non-Finnish European, 0.0006%; no homozygotes.

Submissions (2):

Labcorp Genetics (formerly Invitae), Labcorp
Classification: Likely benign. Last evaluated: 2025-08-28. Review status: criteria provided, single submitter. Criteria: Invitae Variant Classification Sherloc (09022015). Collection method: clinical testing. Allele origin: germline.

Ambry Genetics
Classification: Uncertain significance for Hereditary cancer-predisposing syndrome. Last evaluated: 2025-06-03. Review status: criteria provided, single submitter. Criteria: Ambry Variant Classification Scheme 2023. Collection method: clinical testing. Allele origin: germline.
Comment: The c.379-4G>C intronic variant results from a G to C substitution 4 nucleotides upstream from coding exon 3 in the NTHL1 gene. This nucleotide position is well conserved in available vertebrate species. In silico splice site analysis for this alteration is inconclusive. Based on the available evidence, the clinical significance of this variant remains unclear.

NM_002528.7(NTHL1):c.355-4G>C

Gene: NTHL1 (nth like DNA glycosylase 1; minus strand). Cytogenetic location: 16p13.3.
Variant type: single nucleotide variant.
Coding change: c.355-4G>C on transcript NM_002528.7 (MANE Select); 4 bases into the intron before coding-DNA position 355, G replaced by C.
Molecular consequence: intron variant.
Genome position (GRCh38, 1-based): chr16:2,044,804, C>G on the plus strand (G>C on the coding strand, the complement: NTHL1 is on the minus strand). VCF-style: chr16-2044804-C-G. GRCh37 (hg19) VCF-style: chr16-2094805-C-G.
Other names: c.379-4G>C (NM_002528.5); c.25-4G>C (NM_001318194.2); c.355-1078G>C (NM_001318193.2).
Identifiers: ClinVar variation 755280 (VCV000755280.11), dbSNP rs1245963500, ClinGen allele CA620372515.